The following is an entry in ClinVar:

NM_173551.5(ANKS6):c.1115A>G (p.Asn372Ser)

Gene: ANKS6 (ankyrin repeat and sterile alpha motif domain containing 6; minus strand). Cytogenetic location: 9q22.33.
Variant type: single nucleotide variant.
Coding change: c.1115A>G on transcript NM_173551.5 (MANE Select); coding-DNA position 1115, A replaced by G.
Protein change: p.Asn372Ser; replaces asparagine 372 with serine.
Molecular consequence: missense variant.
Genome position (GRCh38, 1-based): chr9:98,782,571, T>C on the plus strand (A>G on the coding strand, the complement: ANKS6 is on the minus strand). VCF-style: chr9-98782571-T-C. GRCh37 (hg19) VCF-style: chr9-101544853-T-C.
Other names: c.1115A>G (NM_173551.3); short protein forms N372S.
Identifiers: ClinVar variation 474442 (VCV000474442.28), dbSNP rs201297615, ClinGen allele CA5153616.

ClinVar aggregate classification (germline): Uncertain significance. Review status: criteria provided, multiple submitters, no conflicts (2 of 4 stars). 4 submissions from 4 submitters: Uncertain significance (4). Last evaluated 2024-10-29.

Conditions:
Nephronophthisis 16 (NPHP16). Identifiers: Orphanet 655, MedGen C3809320, MONDO:0014158, OMIM 615382.
Inborn genetic diseases. Identifiers: MedGen C0950123, MeSH D030342.

Allele frequency attached by ClinVar (database versions not stated): ExAC 0.00002; gnomAD 0.00003 and 0.00004; gnomAD exomes 0.00003 and 0.00004; TOPMed 0.00005; ESP Exome Variant Server 0.00008.
gnomAD v4.1: 64 of 1,613,202 alleles (0.004%); highest among the groups gnomAD compares: Non-Finnish European, 0.0051%; no homozygotes.

Submissions (4):

Labcorp Genetics (formerly Invitae), Labcorp
Classification: Uncertain significance for Nephronophthisis 16. Last evaluated: 2024-10-29. Review status: criteria provided, single submitter. Criteria: Invitae Variant Classification Sherloc (09022015). Collection method: clinical testing. Allele origin: germline.
Comment: This sequence change replaces asparagine, which is neutral and polar, with serine, which is neutral and polar, at codon 372 of the ANKS6 protein (p.Asn372Ser). This variant is present in population databases (rs201297615, gnomAD 0.006%). This variant has not been reported in the literature in individuals affected with ANKS6-related conditions. ClinVar contains an entry for this variant (Variation ID: 474442). An algorithm developed to predict the effect of missense changes on protein structure and function (PolyPhen-2) suggests that this variant is likely to be tolerated. In summary, the available evidence is currently insufficient to determine the role of this variant in disease. Therefore, it has been classified as a Variant of Uncertain Significance.

Blueprint Genetics
Classification: Uncertain significance. Last evaluated: 2024-09-23. Review status: criteria provided, single submitter. Criteria: ACMG Guidelines, 2015. Collection method: clinical testing. Allele origin: germline.

Ambry Genetics
Classification: Uncertain significance for Inborn genetic diseases. Last evaluated: 2024-08-27. Review status: criteria provided, single submitter. Criteria: Ambry Variant Classification Scheme 2023. Collection method: clinical testing. Allele origin: germline.

CeGaT Center for Human Genetics Tuebingen
Classification: Uncertain significance. Last evaluated: 2024-07-01. Review status: criteria provided, single submitter. Criteria: CeGaT Center For Human Genetics Tuebingen Variant Classification Criteria Version 2. Collection method: clinical testing. Allele origin: germline. Affected: yes. Observed: 1 variant allele.
Comment: ANKS6: PM2